The following is an entry in ClinVar:

NM_002772.3(TMPRSS15):c.390G>A (p.Trp130Ter)

Gene: TMPRSS15 (transmembrane serine protease 15; minus strand). Cytogenetic location: 21q21.1.
Variant type: single nucleotide variant.
Coding change: c.390G>A on transcript NM_002772.3 (MANE Select); coding-DNA position 390, G replaced by A.
Protein change: p.Trp130Ter; replaces tryptophan 130 with a stop codon.
Molecular consequence: nonsense.
Genome position (GRCh38, 1-based): chr21:18,383,733, C>T on the plus strand (G>A on the coding strand, the complement: TMPRSS15 is on the minus strand). VCF-style: chr21-18383733-C-T. GRCh37 (hg19) VCF-style: chr21-19756050-C-T.
Other names: short protein forms W130*.
Identifiers: ClinVar variation 2186565 (VCV002186565.4), dbSNP rs753168111, ClinGen allele CA409853125.

ClinVar aggregate classification (germline): Pathogenic (1 of 4 stars; one submission).

Allele frequency attached by ClinVar (database versions not stated): TOPMed below 0.00001.
gnomAD v4.1: 1 of 1,613,740 alleles (0.000062%); highest among the groups gnomAD compares: Admixed American, 0.0017%; no homozygotes.

Submission:

Labcorp Genetics (formerly Invitae), Labcorp
Classification: Pathogenic. Last evaluated: 2026-01-27. Review status: criteria provided, single submitter. Criteria: Invitae Variant Classification Sherloc (09022015). Collection method: clinical testing. Allele origin: germline.
Comment: This sequence change creates a premature translational stop signal (p.Trp130*) in the TMPRSS15 gene. It is expected to result in an absent or disrupted protein product. Loss-of-function variants in TMPRSS15 are known to be pathogenic (PMID: 11719902). This variant is not present in population databases (gnomAD no frequency). This variant has not been reported in the literature in individuals affected with TMPRSS15-related conditions. ClinVar contains an entry for this variant (Variation ID: 2186565). For these reasons, this variant has been classified as Pathogenic.

Literature cited by the submitters: PubMed 11719902.